The following is an entry in ClinVar:

ClinVar aggregate classification (germline): Likely benign. Review status: criteria provided, single submitter (1 of 4 stars). 2 submissions from 2 submitters: Likely benign (1). 1 of the submissions does not count toward it. Last evaluated 2025-03-02.

Conditions:
TSC2-related disorder. Also called: TSC2-Related Disorders; TSC2-related condition.
Tuberous sclerosis syndrome (TSC). Also called: Tuberous Sclerosis Complex; Tuberous sclerosis. Identifiers: Orphanet 805, MedGen C0041341, MONDO:0001734.

Allele frequency attached by ClinVar (database versions not stated): gnomAD exomes below 0.00001; TOPMed below 0.00001.
gnomAD v4.1: 3 of 1,612,926 alleles (0.00019%); highest among the groups gnomAD compares: Non-Finnish European, 0.00025%; no homozygotes.

Submissions (2):

PreventionGenetics, part of Exact Sciences
Classification: Likely benign for TSC2-related condition. Last evaluated: 2025-03-02. Review status: criteria provided, single submitter. Criteria: ACMG Guidelines, 2015. Collection method: clinical testing. Allele origin: germline.
Comment: This variant is classified as likely benign based on ACMG/AMP sequence variant interpretation guidelines (Richards et al. 2015 PMID: 25741868, with internal and published modifications).

Tuberous sclerosis database (TSC2)
No classification provided. Condition: TSC. Review status: no classification provided. Criteria: Tuberous Sclerosis Database Assertion Criteria 2015. Collection method: curation. Allele origin: germline. Affected: yes. Not counted in ClinVar's aggregate classification.

NM_000548.5(TSC2):c.5160+43C>T

Gene: TSC2 (TSC complex subunit 2; plus strand). Cytogenetic location: 16p13.3.
Variant type: single nucleotide variant.
Coding change: c.5160+43C>T on transcript NM_000548.5 (MANE Select); 43 bases into the intron after coding-DNA position 5160, C replaced by T.
Molecular consequence: intron variant.
Genome position (GRCh38, 1-based): chr16:2,088,182, C>T. VCF-style: chr16-2088182-C-T. GRCh37 (hg19) VCF-style: chr16-2138183-C-T.
Other names: c.5091+43C>T (NM_001114382.3); c.5031+43C>T (NM_021055.3, NM_001370405.1); c.4962+43C>T (NM_001363528.2); c.5028+43C>T (NM_001370404.1); c.4959+43C>T (NM_001077183.3); c.4851+43C>T (NM_001318827.2); c.4428+43C>T (NM_001318831.2); c.4815+43C>T (NM_001318829.2); and 2 more.
Identifiers: ClinVar variation 49939 (VCV000049939.3), dbSNP rs45517402, ClinGen allele CA021954.
Genomic context (GRCh38, chr16:2,088,182, plus strand): 5'-ATGGCCCTGCACGCAAATGTGAGTGGGGGTGGGTCCAGGCGTGAGCTGGTGGGACAGGCC[C>T]AGGTGCCACCTGATAGTGAGCTCACCCCCTGCCTACGTCCCCAGATGGCCTCACAGGTGC-3'